The following is an entry in ClinVar:

NM_001378615.1(CC2D2A):c.389G>A (p.Arg130His)

Genes: CC2D2A (coiled-coil and C2 domain containing 2A; plus strand), FBXL5 (F-box and leucine rich repeat protein 5; minus strand). Cytogenetic location: 4p15.32.
Variant type: single nucleotide variant.
Coding change: c.389G>A on transcript NM_001378615.1 (MANE Select); coding-DNA position 389, G replaced by A.
Protein change: p.Arg130His; replaces arginine 130 with histidine.
Molecular consequence: missense variant.
Genome position (GRCh38, 1-based): chr4:15,502,874, G>A. VCF-style: chr4-15502874-G-A. GRCh37 (hg19) VCF-style: chr4-15504497-G-A.
Other names: c.389G>A, p.Arg130His (NM_001080522.2); c.242G>A, p.Arg81His (NM_001378617.1); short protein forms R130H, R81H.
Identifiers: ClinVar variation 597365 (VCV000597365.17), dbSNP rs778519147, ClinGen allele CA2863397.

ClinVar aggregate classification (germline): Uncertain significance. Review status: criteria provided, multiple submitters, no conflicts (2 of 4 stars). 5 submissions from 5 submitters: Uncertain significance (5). Last evaluated 2026-01-23.

Conditions:
Joubert syndrome 9 (JBTS9). Identifiers: Orphanet 2318, MedGen C2676788, MONDO:0012849, OMIM 612285.
Meckel syndrome, type 6. Identifiers: Orphanet 564, MedGen C2676790, MONDO:0012848, OMIM 612284.
Retinitis pigmentosa 93. Identifiers: MedGen C5676970, MONDO:0030797, OMIM 619845.
COACH syndrome 2. Identifiers: MedGen C5436837, MONDO:0030859, OMIM 619111.
Inborn genetic diseases. Identifiers: MedGen C0950123, MeSH D030342.
Meckel-Gruber syndrome. Also called: Dysencephalia splachnocystica; DYSENCEPHALIA SPLANCHNOCYSTICA; GRUBER SYNDROME. Identifiers: Orphanet 564, MedGen C0265215, MONDO:0018921.
Joubert syndrome. Also called: Familial aplasia of the vermis; JOUBERT-BOLTSHAUSER SYNDROME. Identifiers: Orphanet 475, MedGen C5979921, MONDO:0018772.
CC2D2A-related disorder. Also called: CC2D2A-related disorders; CC2D2A-related condition. Identifiers: MedGen CN239313.

Allele frequency attached by ClinVar (database versions not stated): TOPMed 0.00002; gnomAD 0.00003; ExAC 0.00004.
gnomAD v4.1: 69 of 1,611,774 alleles (0.0043%); highest among the groups gnomAD compares: Middle Eastern, 0.016%; no homozygotes.

Submissions (5):

Labcorp Genetics (formerly Invitae), Labcorp
Classification: Uncertain significance for Joubert syndrome; Meckel-Gruber syndrome. Last evaluated: 2026-01-23. Review status: criteria provided, single submitter. Criteria: Invitae Variant Classification Sherloc (09022015). Collection method: clinical testing. Allele origin: germline.
Comment: This sequence change replaces arginine, which is basic and polar, with histidine, which is basic and polar, at codon 130 of the CC2D2A protein (p.Arg130His). This variant is present in population databases (rs778519147, gnomAD 0.01%). This variant has not been reported in the literature in individuals affected with CC2D2A-related conditions. ClinVar contains an entry for this variant (Variation ID: 597365). Invitae Evidence Modeling of protein sequence and biophysical properties (such as structural, functional, and spatial information, amino acid conservation, physicochemical variation, residue mobility, and thermodynamic stability) indicates that this missense variant is not expected to disrupt CC2D2A protein function with a negative predictive value of 95%. In summary, the available evidence is currently insufficient to determine the role of this variant in disease. Therefore, it has been classified as a Variant of Uncertain Significance.

PreventionGenetics, part of Exact Sciences
Classification: Uncertain significance for CC2D2A-related condition. Last evaluated: 2025-12-07. Review status: criteria provided, single submitter. Criteria: ACMG Guidelines, 2015. Collection method: clinical testing. Allele origin: germline.
Comment: The CC2D2A c.389G>A variant is predicted to result in the amino acid substitution p.Arg130His. To our knowledge, this variant has not been reported in the literature. This variant is reported in 0.010% of alleles in individuals of South Asian descent in gnomAD. At this time, the clinical significance of this variant is uncertain due to the absence of conclusive functional and genetic evidence.

Ambry Genetics
Classification: Uncertain significance for Inborn genetic diseases. Last evaluated: 2025-04-04. Review status: criteria provided, single submitter. Criteria: Ambry Variant Classification Scheme 2023. Collection method: clinical testing. Allele origin: germline.

Fulgent Genetics
Classification: Uncertain significance for Meckel syndrome, type 6; Joubert syndrome 9; COACH syndrome 2; Retinitis pigmentosa 93. Last evaluated: 2024-06-11. Review status: criteria provided, single submitter. Criteria: ACMG Guidelines, 2015. Collection method: clinical testing. Allele origin: germline.

Eurofins Ntd Llc (ga)
Classification: Uncertain significance. Last evaluated: 2018-05-25. Review status: criteria provided, single submitter. Criteria: EGL ClinVar v180209 classification definitions. Collection method: clinical testing. Allele origin: germline. Observed: 1 variant allele, 1 heterozygote.